The following is an entry in ClinVar:

ClinVar aggregate classification (germline): Likely pathogenic (1 of 4 stars; one submission).

Submission:

Labcorp Genetics (formerly Invitae), Labcorp
Classification: Likely pathogenic. Last evaluated: 2022-05-12. Review status: criteria provided, single submitter. Criteria: Invitae Variant Classification Sherloc (09022015). Collection method: clinical testing. Allele origin: germline.
Comment: This variant is not present in population databases (gnomAD no frequency). This sequence change affects an acceptor splice site in intron 18 of the MSH3 gene. It is expected to disrupt RNA splicing. Variants that disrupt the donor or acceptor splice site typically lead to a loss of protein function (PMID: 16199547), and loss-of-function variants in MSH3 are known to be pathogenic (PMID: 27476653). This variant has not been reported in the literature in individuals affected with MSH3-related conditions. In summary, the currently available evidence indicates that the variant is pathogenic, but additional data are needed to prove that conclusively. Therefore, this variant has been classified as Likely Pathogenic. Algorithms developed to predict the effect of sequence changes on RNA splicing suggest that this variant may disrupt the consensus splice site. ClinVar contains an entry for this variant (Variation ID: 1066213).

Literature cited by the submitters: PubMed 16199547; PubMed 27476653.

NM_002439.5(MSH3):c.2544-2A>T

Gene: MSH3 (mutS homolog 3; plus strand). Cytogenetic location: 5q14.1.
Variant type: single nucleotide variant.
Coding change: c.2544-2A>T on transcript NM_002439.5 (MANE Select); the canonical splice acceptor site of the intron before coding-DNA position 2544, A replaced by T.
Molecular consequence: splice acceptor variant.
Genome position (GRCh38, 1-based): chr5:80,792,731, A>T. VCF-style: chr5-80792731-A-T. GRCh37 (hg19) VCF-style: chr5-80088550-A-T.
Identifiers: ClinVar variation 1066213 (VCV001066213.9), dbSNP rs2112026621, ClinGen allele CA360272818.